The following is an entry in ClinVar:

ClinVar aggregate classification (germline): Likely benign. Review status: criteria provided, multiple submitters, no conflicts (2 of 4 stars). 2 submissions from 2 submitters: Likely benign (2). Last evaluated 2026-03-01.

Conditions:
Hereditary cancer-predisposing syndrome. Also called: Hereditary neoplastic syndrome; Neoplastic Syndromes, Hereditary; Tumor predisposition; Hereditary Cancer Syndrome. Identifiers: Orphanet 140162, MedGen C0027672, MeSH D009386, MONDO:0015356.

Submissions (2):

CeGaT Center for Human Genetics Tuebingen
Classification: Likely benign. Last evaluated: 2026-03-01. Review status: criteria provided, single submitter. Criteria: CeGaT Center For Human Genetics Tuebingen Variant Classification Criteria Version 2. Collection method: clinical testing. Allele origin: germline. Affected: yes. Observed: 2 variant alleles.
Comment: HOXB13: PM2:Supporting, BP4, BP7

Ambry Genetics
Classification: Likely benign for Hereditary cancer-predisposing syndrome. Last evaluated: 2022-03-01. Review status: criteria provided, single submitter. Criteria: Ambry Variant Classification Scheme 2023. Collection method: clinical testing. Allele origin: germline.

NM_006361.6(HOXB13):c.207G>A (p.Val69=)

Gene: HOXB13 (homeobox B13; minus strand). Cytogenetic location: 17q21.32.
Variant type: single nucleotide variant.
Coding change: c.207G>A on transcript NM_006361.6 (MANE Select); coding-DNA position 207, G replaced by A.
Protein change: p.Val69=; no amino-acid change (valine 69 retained).
Molecular consequence: synonymous variant.
Genome position (GRCh38, 1-based): chr17:48,728,387, C>T on the plus strand (G>A on the coding strand, the complement: HOXB13 is on the minus strand). VCF-style: chr17-48728387-C-T. GRCh37 (hg19) VCF-style: chr17-46805749-C-T.
Identifiers: ClinVar variation 1785538 (VCV001785538.15), dbSNP rs1597934795, ClinGen allele CA500662022.